The following is an entry in ClinVar:

ClinVar aggregate classification (germline): Uncertain significance. Review status: criteria provided, multiple submitters, no conflicts (2 of 4 stars). 4 submissions from 4 submitters: Uncertain significance (2). 2 of the submissions do not count toward it. Last evaluated 2025-09-02.

Submissions (4):

GeneDx
Classification: Uncertain significance. Last evaluated: 2025-09-02. Review status: criteria provided, single submitter. Criteria: GeneDx Variant Classification Process June 2021. Collection method: clinical testing. Allele origin: germline. Affected: yes.
Comment: Not observed at significant frequency in large population cohorts (gnomAD); Has not been previously published as pathogenic or benign to our knowledge; In silico analysis suggests this variant may impact gene splicing. In the absence of RNA/functional studies, the actual effect of this sequence change is unknown.

Breakthrough Genomics
Classification: Uncertain significance. Review status: criteria provided, single submitter. Criteria: ACMG Guidelines, 2015. Collection method: not provided. Allele origin: germline. Inheritance: Autosomal recessive inheritance. Affected: yes.

Clinical Genetics DNA and cytogenetics Diagnostics Lab, Erasmus MC, Erasmus Medical Center
Classification: Uncertain significance. Review status: no assertion criteria provided. Collection method: clinical testing. Allele origin: germline. Affected: yes. Study: VKGL Data-share Consensus. Not counted in ClinVar's aggregate classification.

Laboratory of Diagnostic Genome Analysis, Leiden University Medical Center (LUMC)
Classification: Uncertain significance. Review status: no assertion criteria provided. Collection method: clinical testing. Allele origin: germline. Affected: yes. Study: VKGL Data-share Consensus. Not counted in ClinVar's aggregate classification.

NM_170707.4(LMNA):c.937-5T>A

Gene: LMNA (lamin A/C; plus strand). Cytogenetic location: 1q22.
Variant type: single nucleotide variant.
Coding change: c.937-5T>A on transcript NM_170707.4 (MANE Select); 5 bases into the intron before coding-DNA position 937, T replaced by A.
Molecular consequence: intron variant.
Genome position (GRCh38, 1-based): chr1:156,135,896, T>A. VCF-style: chr1-156135896-T-A. GRCh37 (hg19) VCF-style: chr1-156105687-T-A.
Other names: c.937-5T>A (NM_001282626.2, NM_170708.4, NM_005572.4 and 1 more transcripts); c.601-5T>A (NM_001257374.3); c.694-5T>A (NM_001282624.2).
Identifiers: ClinVar variation 1328372 (VCV001328372.4), dbSNP rs1001248677, ClinGen allele CA923726363.